The following is an entry in ClinVar:

NC_000001.10:g.(?_10032132)_(10041248_?)dup

Gene: NMNAT1 (nicotinamide nucleotide adenylyltransferase 1; plus strand). Cytogenetic location: 1p36.22.
Variant type: Duplication.
Identifiers: ClinVar variation 1412359 (VCV001412359.5).

ClinVar aggregate classification (germline): Uncertain significance (1 of 4 stars; one submission).

Conditions:
Leber congenital amaurosis 9 (LCA9). Also called: LCA9 Leber Congenital Amaurosis; LCA 9; Amaurosis congenita of Leber, type 9. Identifiers: Orphanet 65, MedGen C1837873, MONDO:0012056, OMIM 608553.

Submission:

Labcorp Genetics (formerly Invitae), Labcorp
Classification: Uncertain significance for Leber congenital amaurosis 9. Last evaluated: 2022-03-14. Review status: criteria provided, single submitter. Criteria: Invitae Variant Classification Sherloc (09022015). Collection method: clinical testing. Allele origin: germline.
Comment: In summary, the available evidence is currently insufficient to determine the role of this variant in disease. Therefore, it has been classified as a Variant of Uncertain Significance. A similar copy number variant has been observed in individuals with NMNAT1-related conditions (PMID: 32865313; Invitae). This variant results in a copy number gain of the genomic region encompassing exon(s) 2-4 of the NMNAT1 gene. This region includes the initiator codon of the gene. This copy number gain extends beyond the assayed region for this gene and therefore may encompass additional genes. As the precise location of this event is unknown, it may be in tandem or it may be located elsewhere in the genome.

Literature cited by the submitters: PubMed 32865313.